The following is an entry in ClinVar:

NM_025194.3(ITPKC):c.1116C>T (p.Ala372=)

Gene: ITPKC (inositol-trisphosphate 3-kinase C; plus strand). Cytogenetic location: 19q13.2.
Variant type: single nucleotide variant.
Coding change: c.1116C>T on transcript NM_025194.3 (MANE Select); coding-DNA position 1116, C replaced by T.
Protein change: p.Ala372=; no amino-acid change (alanine 372 retained).
Molecular consequence: synonymous variant.
Genome position (GRCh38, 1-based): chr19:40,718,251, C>T. VCF-style: chr19-40718251-C-T. GRCh37 (hg19) VCF-style: chr19-41224156-C-T.
Other names: c.1116C>T, p.Ala372= (NM_001411098.1).
Identifiers: ClinVar variation 3054086 (VCV003054086.2), dbSNP rs778568321, ClinGen allele CA9450773.
Genomic context (GRCh38, chr19:40,718,251, plus strand): 5'-GGGCAGCGGCGGCTTCTCCTCTGCCTCTTCTTTCGACGAGTCTGAGGATGACGTGGTGGC[C>T]GGGGGCGGAGGTGCCAGCGATCCCGAGGACAGGTCTGGGGTGAGTGGGACCCATCCTGCC-3'
Protein context (NP_079470.1, residues 362-382): SFDESEDDVV[Ala372=]GGGGASDPED

ClinVar aggregate classification (germline): Likely benign (0 of 4 stars; one submission).

Conditions:
ITPKC-related disorder. Also called: ITPKC-related condition.

Allele frequency attached by ClinVar (database versions not stated): gnomAD exomes 0.00003; ExAC 0.00004; TOPMed 0.00004; gnomAD 0.00005.

Submission:

PreventionGenetics, part of Exact Sciences
Classification: Likely benign for ITPKC-related condition. Last evaluated: 2020-11-08. Review status: no assertion criteria provided. Collection method: clinical testing. Allele origin: germline.
Comment: This variant is classified as likely benign based on ACMG/AMP sequence variant interpretation guidelines (Richards et al. 2015 PMID: 25741868, with internal and published modifications).